The following is an entry in ClinVar:

NM_004183.4(BEST1):c.901GAT[3] (p.Asp304del)

Gene: BEST1 (bestrophin 1; plus strand). Cytogenetic location: 11q12.3.
Variant type: Microsatellite.
Coding change: c.901GAT[3] on transcript NM_004183.4 (MANE Select); three copies in a row of the 3-base unit GAT starting at c.901; the reference has four copies in a row; one copy, 3 bases deleted.
Protein change: p.Asp304del; deletes aspartic acid 304.
Molecular consequence: inframe deletion. On other transcripts: inframe indel (3), non-coding transcript variant (1), intron variant (1).
Genome position (GRCh38, 1-based): chr11:61,959,540-61,959,542, GAT deleted; deleting any 3 consecutive bases within chr11:61,959,531-61,959,542 gives the same sequence; the position shown is the placement nearest the transcript's 3' end. VCF-style (leftmost placement, unchanged base first): chr11-61959530-GGAT-G. GRCh37 (hg19) VCF-style: chr11-61727002-GGAT-G.
Other names: c.901_903delGAT (NM_004183.3); c.721_723GAT[3], p.Asp244del (NM_001139443.3); c.721GAT[3], p.Asp244del (NM_001300787.2); c.583_585GAT[3], p.Asp198del (NM_001363591.3); c.1104_1106GAT[3], p.Met371del (NM_001363592.2); c.-72_-70GAT[3] (NM_001363593.3); c.688-361GAT[3] (NM_001300786.2); short protein forms D304del, D244del, M371del, D198del.
Identifiers: ClinVar variation 99772 (VCV000099772.9), dbSNP rs281865260, ClinGen allele CA227843.
Genomic context (GRCh38, chr11:61,959,530, plus strand): 5'-GGTTTACAGAGCCTCACCTGTCCCCAAGGTGGCAGAGCAGCTCATCAACCCCTTTGGAGA[GGAT>G]GATGATGATTTTGAGACCAACTGGATTGTCGACAGGAATTTGCAGGTATGGGGAGAGGGA-3'

ClinVar aggregate classification (germline): Likely pathogenic. Review status: criteria provided, multiple submitters, no conflicts (2 of 4 stars). 3 submissions from 3 submitters: Likely pathogenic (2). 1 of the submissions does not count toward it. Last evaluated 2025-03-20.

Submissions (3):

Labcorp Genetics (formerly Invitae), Labcorp
Classification: Likely pathogenic. Last evaluated: 2025-03-20. Review status: criteria provided, single submitter. Criteria: Invitae Variant Classification Sherloc (09022015). Collection method: clinical testing. Allele origin: germline.
Comment: This variant, c.910_912del, results in the deletion of 1 amino acid(s) of the BEST1 protein (p.Asp304del), but otherwise preserves the integrity of the reading frame. This variant is not present in population databases (gnomAD no frequency). This variant has been observed in individuals with autosomal dominant Best vitelliform macular dystrophy (PMID: 10798642, 25936525, 26201355, 34373720, 37734845). This variant is also known as Asp301del. ClinVar contains an entry for this variant (Variation ID: 99772). In summary, the currently available evidence indicates that the variant is pathogenic, but additional data are needed to prove that conclusively. Therefore, this variant has been classified as Likely Pathogenic.

GeneDx
Classification: Likely pathogenic. Last evaluated: 2023-02-16. Review status: criteria provided, single submitter. Criteria: GeneDx Variant Classification Process June 2021. Collection method: clinical testing. Allele origin: germline. Affected: yes.
Comment: In-frame deletion of 1 amino acid in a non-repeat region; Not observed at significant frequency in large population cohorts (gnomAD); In silico analysis supports a deleterious effect on protein structure/function; This variant is associated with the following publications: (PMID: 10798642, 26310487, 26201355, 34373720, 35973442, 25936525)

Retina International
No classification provided. Review status: no classification provided. Collection method: not provided. Allele origin: not provided. Not counted in ClinVar's aggregate classification.

Literature cited by the submitters: PubMed 10798642 (cited by Labcorp Genetics (formerly Invitae), Labcorp); PubMed 25936525 (cited by Labcorp Genetics (formerly Invitae), Labcorp); PubMed 26201355 (cited by Labcorp Genetics (formerly Invitae), Labcorp); PubMed 34373720 (cited by Labcorp Genetics (formerly Invitae), Labcorp); PubMed 37734845 (cited by Labcorp Genetics (formerly Invitae), Labcorp).